The following is an entry in ClinVar:

ClinVar aggregate classification (germline): Uncertain significance (1 of 4 stars; one submission).

Submission:

GeneDx
Classification: Uncertain significance. Last evaluated: 2025-06-25. Review status: criteria provided, single submitter. Criteria: GeneDx Variant Classification Process June 2021. Collection method: clinical testing. Allele origin: germline. Affected: yes.
Comment: Not observed at significant frequency in large population cohorts (gnomAD); In silico analysis suggests that this missense variant does not alter protein structure/function; Has not been previously published as pathogenic or benign to our knowledge

NM_001429.4(EP300):c.5508G>C (p.Gln1836His)

Gene: EP300 (EP300 lysine acetyltransferase; plus strand). Cytogenetic location: 22q13.2.
Variant type: single nucleotide variant.
Coding change: c.5508G>C on transcript NM_001429.4 (MANE Select); coding-DNA position 5508, G replaced by C.
Protein change: p.Gln1836His; replaces glutamine 1836 with histidine.
Molecular consequence: missense variant.
Genome position (GRCh38, 1-based): chr22:41,177,219, G>C. VCF-style: chr22-41177219-G-C. GRCh37 (hg19) VCF-style: chr22-41573223-G-C.
Other names: c.5430G>C, p.Gln1810His (NM_001362843.2); short protein forms Q1810H, Q1836H.
Identifiers: ClinVar variation 4540017 (VCV004540017.1).